The following is an entry in ClinVar:

NM_181426.2(CCDC39):c.157A>C (p.Asn53His)

Gene: CCDC39 (coiled-coil domain 39 molecular ruler complex subunit; minus strand). Cytogenetic location: 3q26.33.
Variant type: single nucleotide variant.
Coding change: c.157A>C on transcript NM_181426.2 (MANE Select); coding-DNA position 157, A replaced by C.
Protein change: p.Asn53His; replaces asparagine 53 with histidine.
Molecular consequence: missense variant.
Genome position (GRCh38, 1-based): chr3:180,663,920, T>G on the plus strand (A>C on the coding strand, the complement: CCDC39 is on the minus strand). VCF-style: chr3-180663920-T-G. GRCh37 (hg19) VCF-style: chr3-180381708-T-G.
Other names: short protein forms N53H.
Identifiers: ClinVar variation 954208 (VCV000954208.7), dbSNP rs778274253, ClinGen allele CA2716235.
Genomic context (GRCh38, chr3:180,663,920, plus strand): 5'-ACTGTACCTGTGTAATTGAGAGCTCTTGCTTAACATTTTTGAAGTGAGAAGTCATAGAAT[T>G]AATTCGCTCTTCATACTCACGTAACTCATCTTGCAAGCTTGCTCTTTCATCCTTCAGCTT-3'
Protein context (NP_852091.1, residues 43-63): DELREYEERI[Asn53His]SMTSHFKNVK

ClinVar aggregate classification (germline): Uncertain significance (1 of 4 stars; one submission).

Conditions:
Primary ciliary dyskinesia. Also called: Ciliary dyskinesia. Identifiers: Orphanet 244, MedGen C0008780, MONDO:0016575, HP:0012265.

Allele frequency attached by ClinVar (database versions not stated): ExAC 0.00001; gnomAD exomes 0.00001 and 0.00002; TOPMed 0.00001; gnomAD 0.00002.
gnomAD v4.1: 8 of 1,611,654 alleles (0.0005%); highest among the groups gnomAD compares: Admixed American, 0.013%; no homozygotes.

Submission:

Labcorp Genetics (formerly Invitae), Labcorp
Classification: Uncertain significance for Primary ciliary dyskinesia. Last evaluated: 2022-10-25. Review status: criteria provided, single submitter. Criteria: Invitae Variant Classification Sherloc (09022015). Collection method: clinical testing. Allele origin: germline.
Comment: This sequence change replaces asparagine, which is neutral and polar, with histidine, which is basic and polar, at codon 53 of the CCDC39 protein (p.Asn53His). This variant is present in population databases (rs778274253, gnomAD 0.02%). This variant has not been reported in the literature in individuals affected with CCDC39-related conditions. ClinVar contains an entry for this variant (Variation ID: 954208). Algorithms developed to predict the effect of missense changes on protein structure and function (SIFT, PolyPhen-2, Align-GVGD) all suggest that this variant is likely to be tolerated. In summary, the available evidence is currently insufficient to determine the role of this variant in disease. Therefore, it has been classified as a Variant of Uncertain Significance.